The following is an entry in ClinVar:

ClinVar aggregate classification (germline): Uncertain significance. Review status: criteria provided, multiple submitters, no conflicts (2 of 4 stars). 3 submissions from 3 submitters: Uncertain significance (3). Last evaluated 2025-05-23.

Conditions:
Inborn genetic diseases. Identifiers: MedGen C0950123, MeSH D030342.

Allele frequency attached by ClinVar (database versions not stated): gnomAD exomes 0.00001; ExAC 0.00002; gnomAD 0.00003; TOPMed 0.00004.
gnomAD v4.1: 16 of 1,613,886 alleles (0.00099%); highest among the groups gnomAD compares: African/African-American, 0.0067%; no homozygotes.

Submissions (3):

Ambry Genetics
Classification: Uncertain significance for Inborn genetic diseases. Last evaluated: 2025-05-23. Review status: criteria provided, single submitter. Criteria: Ambry Variant Classification Scheme 2023. Collection method: clinical testing. Allele origin: germline.

Labcorp Genetics (formerly Invitae), Labcorp
Classification: Uncertain significance. Last evaluated: 2024-10-24. Review status: criteria provided, single submitter. Criteria: Invitae Variant Classification Sherloc (09022015). Collection method: clinical testing. Allele origin: germline.
Comment: This sequence change replaces arginine, which is basic and polar, with tryptophan, which is neutral and slightly polar, at codon 2506 of the CDH23 protein (p.Arg2506Trp). This variant is present in population databases (rs763511564, gnomAD 0.008%). This variant has not been reported in the literature in individuals affected with CDH23-related conditions. ClinVar contains an entry for this variant (Variation ID: 2064637). Invitae Evidence Modeling of protein sequence and biophysical properties (such as structural, functional, and spatial information, amino acid conservation, physicochemical variation, residue mobility, and thermodynamic stability) has been performed for this missense variant. However, the output from this modeling did not meet the statistical confidence thresholds required to predict the impact of this variant on CDH23 protein function. In summary, the available evidence is currently insufficient to determine the role of this variant in disease. Therefore, it has been classified as a Variant of Uncertain Significance.

Blueprint Genetics
Classification: Uncertain significance. Last evaluated: 2022-06-23. Review status: criteria provided, single submitter. Criteria: ACMG Guidelines, 2015. Collection method: clinical testing. Allele origin: germline.

NM_022124.6(CDH23):c.7516C>T (p.Arg2506Trp)

Gene: CDH23 (cadherin related 23; plus strand). Cytogenetic location: 10q22.1.
Variant type: single nucleotide variant.
Coding change: c.7516C>T on transcript NM_022124.6 (MANE Select); coding-DNA position 7516, C replaced by T.
Protein change: p.Arg2506Trp; replaces arginine 2506 with tryptophan.
Molecular consequence: missense variant.
Genome position (GRCh38, 1-based): chr10:71,802,931, C>T. VCF-style: chr10-71802931-C-T. GRCh37 (hg19) VCF-style: chr10-73562688-C-T.
Other names: c.7516C>T (NM_022124.5); c.796C>T, p.Arg266Trp (NM_001171933.1, NM_001171934.1); short protein forms R266W, R2506W.
Identifiers: ClinVar variation 2064637 (VCV002064637.4), dbSNP rs763511564, ClinGen allele CA5546373.
Genomic context (GRCh38, chr10:71,802,931, plus strand): 5'-CTTTGGCCTTGACCTCCATCCACCCAGGTGGTGATCCAAGTGCTGGATGTCAATGACTGC[C>T]GGCCACAGTTCTCCAAGCCCCAGTTCAGCACAAGCGTGTATGAGAATGAGCCGGCGGGCA-3'
Protein context (NP_071407.4, residues 2496-2516): VIQVLDVNDC[Arg2506Trp]PQFSKPQFST